The following is an entry in ClinVar:

NM_012330.4(KAT6B):c.1906A>G (p.Lys636Glu)

Gene: KAT6B (lysine acetyltransferase 6B; plus strand). Cytogenetic location: 10q22.2.
Variant type: single nucleotide variant.
Coding change: c.1906A>G on transcript NM_012330.4 (MANE Select); coding-DNA position 1906, A replaced by G.
Protein change: p.Lys636Glu; replaces lysine 636 with glutamic acid.
Molecular consequence: missense variant. On other transcripts: intron variant (13).
Genome position (GRCh38, 1-based): chr10:74,976,243, A>G. VCF-style: chr10-74976243-A-G. GRCh37 (hg19) VCF-style: chr10-76736001-A-G.
Other names: c.1906A>G, p.Lys636Glu (NM_001370136.1, NM_001370137.1); c.1117+789A>G (NM_001370139.1, NM_001370140.1, NM_001370141.1 and 3 more transcripts); c.1444+462A>G (NM_001370138.1, NM_001256468.2); c.846+6468A>G (NM_001370133.1); c.193-2981A>G (NM_001370134.1); c.929-1073A>G (NM_001370143.1, NM_001370144.1); c.193-12776A>G (NM_001370135.1); short protein forms K636E.
Identifiers: ClinVar variation 2847095 (VCV002847095.3), dbSNP rs2548957345, ClinGen allele CA377289191.
Genomic context (GRCh38, chr10:74,976,243, plus strand): 5'-GCAATTGCTCACTTCAAGCGAACAACTTTCCTTAAAAAGCACAGGATGCTAGGCAGATTA[A>G]AATATAAAGTGACCCCTCAGATGGGGACCCCCTCACCAGGGAAGGGGAGCTTGACAGACG-3'
Protein context (NP_036462.2, residues 626-646): LKKHRMLGRL[Lys636Glu]YKVTPQMGTP

ClinVar aggregate classification (germline): Uncertain significance (1 of 4 stars; one submission).

Conditions:
Genitopatellar syndrome (GTPTS). Also called: Genitopatellar syndrome (GPS); ABSENT PATELLAE, SCROTAL HYPOPLASIA, RENAL ANOMALIES, FACIAL DYSMORPHISM, AND MENTAL RETARDATION. Identifiers: Orphanet 85201, MedGen C1853566, MONDO:0011640, OMIM 606170.

Submission:

Labcorp Genetics (formerly Invitae), Labcorp
Classification: Uncertain significance for Genitopatellar syndrome. Last evaluated: 2023-03-24. Review status: criteria provided, single submitter. Criteria: Invitae Variant Classification Sherloc (09022015). Collection method: clinical testing. Allele origin: germline.
Comment: An algorithm developed to predict the effect of missense changes on protein structure and function (PolyPhen-2) suggests that this variant is likely to be tolerated. This variant has not been reported in the literature in individuals affected with KAT6B-related conditions. This variant is not present in population databases (gnomAD no frequency). This sequence change replaces lysine, which is basic and polar, with glutamic acid, which is acidic and polar, at codon 636 of the KAT6B protein (p.Lys636Glu). In summary, the available evidence is currently insufficient to determine the role of this variant in disease. Therefore, it has been classified as a Variant of Uncertain Significance.